The following is an entry in ClinVar:

NM_002473.6(MYH9):c.4975G>A (p.Ala1659Thr)

Gene: MYH9 (myosin heavy chain 9; minus strand). Cytogenetic location: 22q12.3.
Variant type: single nucleotide variant.
Coding change: c.4975G>A on transcript NM_002473.6 (MANE Select); coding-DNA position 4975, G replaced by A.
Protein change: p.Ala1659Thr; replaces alanine 1659 with threonine.
Molecular consequence: missense variant.
Genome position (GRCh38, 1-based): chr22:36,286,804, C>T on the plus strand (G>A on the coding strand, the complement: MYH9 is on the minus strand). VCF-style: chr22-36286804-C-T. GRCh37 (hg19) VCF-style: chr22-36682850-C-T.
Other names: short protein forms A1659T.
Identifiers: ClinVar variation 1898329 (VCV001898329.7), dbSNP rs371410108, ClinGen allele CA10209215.

ClinVar aggregate classification (germline): Uncertain significance. Review status: criteria provided, multiple submitters, no conflicts (2 of 4 stars). 2 submissions from 2 submitters: Uncertain significance (2). Last evaluated 2026-04-10.

Conditions:
MYH9-related disorder. Identifiers: MedGen C1854520.

Allele frequency attached by ClinVar (database versions not stated): gnomAD exomes below 0.00001; ExAC 0.00001; gnomAD 0.00001; TOPMed 0.00002; ESP Exome Variant Server 0.00008.
gnomAD v4.1: 8 of 1,611,826 alleles (0.0005%); highest among the groups gnomAD compares: African/African-American, 0.004%; no homozygotes.

Submissions (2):

PreventionGenetics, part of Exact Sciences
Classification: Uncertain significance for MYH9-related condition. Last evaluated: 2026-04-10. Review status: criteria provided, single submitter. Criteria: ACMG Guidelines, 2015. Collection method: clinical testing. Allele origin: germline.
Comment: The MYH9 c.4975G>A variant is predicted to result in the amino acid substitution p.Ala1659Thr. To our knowledge, this variant has not been reported in the literature or a large population database (gnomAD). At this time, the clinical significance of this variant is uncertain due to the absence of conclusive functional and genetic evidence.

Labcorp Genetics (formerly Invitae), Labcorp
Classification: Uncertain significance. Last evaluated: 2025-05-05. Review status: criteria provided, single submitter. Criteria: Invitae Variant Classification Sherloc (09022015). Collection method: clinical testing. Allele origin: germline.
Comment: This sequence change replaces alanine, which is neutral and non-polar, with threonine, which is neutral and polar, at codon 1659 of the MYH9 protein (p.Ala1659Thr). The frequency data for this variant in the population databases is considered unreliable, as metrics indicate poor data quality at this position in the gnomAD database. This variant has not been reported in the literature in individuals affected with MYH9-related conditions. ClinVar contains an entry for this variant (Variation ID: 1898329). Invitae Evidence Modeling of protein sequence and biophysical properties (such as structural, functional, and spatial information, amino acid conservation, physicochemical variation, residue mobility, and thermodynamic stability) indicates that this missense variant is not expected to disrupt MYH9 protein function with a negative predictive value of 95%. In summary, the available evidence is currently insufficient to determine the role of this variant in disease. Therefore, it has been classified as a Variant of Uncertain Significance.